The following is an entry in ClinVar:

NM_003672.4(CDC14A):c.43A>G (p.Met15Val)

Gene: CDC14A (cell division cycle 14A; plus strand). Cytogenetic location: 1p21.2.
Variant type: single nucleotide variant.
Coding change: c.43A>G on transcript NM_003672.4 (MANE Select); coding-DNA position 43, A replaced by G.
Protein change: p.Met15Val; replaces methionine 15 with valine.
Molecular consequence: missense variant. On other transcripts: 5 prime UTR variant (1), intron variant (1).
Genome position (GRCh38, 1-based): chr1:100,352,997, A>G. VCF-style: chr1-100352997-A-G. GRCh37 (hg19) VCF-style: chr1-100818553-A-G.
Other names: c.43A>G, p.Met15Val (NM_001319210.2, NM_033312.3, NM_033313.3); c.-749A>G (NM_001319212.2); c.-125-765A>G (NM_001319211.2); short protein forms M15V.
Identifiers: ClinVar variation 3384595 (VCV003384595.1).
Genomic context (GRCh38, chr1:100,352,997, plus strand): 5'-GTGCGTATCTCGCTTAAGATGGCAGCGGAGTCAGGGGAACTAATCGGGGCTTGTGAGTTC[A>G]TGAAAGGTGAGGAGCAGCCGCCCCGCATCTTCCAACGCTTTCTTGCCCCCAACTCTTCAC-3'
Protein context (NP_003663.2, residues 5-25): SGELIGACEF[Met15Val]KDRLYFATLR

ClinVar aggregate classification (germline): Uncertain significance (1 of 4 stars; one submission).

Submission:

GeneDx
Classification: Uncertain significance. Last evaluated: 2024-06-06. Review status: criteria provided, single submitter. Criteria: GeneDx Variant Classification Process June 2021. Collection method: clinical testing. Allele origin: germline. Affected: yes.
Comment: Not observed at significant frequency in large population cohorts (gnomAD); In silico analysis indicates that this missense variant does not alter protein structure/function; Has not been previously published as pathogenic or benign to our knowledge